The following is an entry in ClinVar:

NM_005461.5(MAFB):c.877G>A (p.Ala293Thr)

Gene: MAFB (MAF bZIP transcription factor B; minus strand). Cytogenetic location: 20q12.
Variant type: single nucleotide variant.
Coding change: c.877G>A on transcript NM_005461.5 (MANE Select); coding-DNA position 877, G replaced by A.
Protein change: p.Ala293Thr; replaces alanine 293 with threonine.
Molecular consequence: missense variant.
Genome position (GRCh38, 1-based): chr20:40,687,974, C>T on the plus strand (G>A on the coding strand, the complement: MAFB is on the minus strand). VCF-style: chr20-40687974-C-T. GRCh37 (hg19) VCF-style: chr20-39316614-C-T.
Other names: short protein forms A293T.
Identifiers: ClinVar variation 3614603 (VCV003614603.2).

ClinVar aggregate classification (germline): Uncertain significance (1 of 4 stars; one submission).

Submission:

Labcorp Genetics (formerly Invitae), Labcorp
Classification: Uncertain significance. Last evaluated: 2024-10-04. Review status: criteria provided, single submitter. Criteria: Invitae Variant Classification Sherloc (09022015). Collection method: clinical testing. Allele origin: germline.
Comment: This sequence change replaces alanine, which is neutral and non-polar, with threonine, which is neutral and polar, at codon 293 of the MAFB protein (p.Ala293Thr). This variant is present in population databases (rs763823662, gnomAD 0.009%). This variant has not been reported in the literature in individuals affected with MAFB-related conditions. Invitae Evidence Modeling of protein sequence and biophysical properties (such as structural, functional, and spatial information, amino acid conservation, physicochemical variation, residue mobility, and thermodynamic stability) indicates that this missense variant is not expected to disrupt MAFB protein function with a negative predictive value of 95%. In summary, the available evidence is currently insufficient to determine the role of this variant in disease. Therefore, it has been classified as a Variant of Uncertain Significance.